The following is an entry in ClinVar:

ClinVar aggregate classification (germline): Uncertain significance (1 of 4 stars; one submission).

Allele frequency attached by ClinVar (database versions not stated): gnomAD exomes below 0.00001.
gnomAD v4.1: 1 of 1,606,834 alleles (0.000062%); highest among the groups gnomAD compares: Admixed American, 0.0017%; no homozygotes.

Submission:

Labcorp Genetics (formerly Invitae), Labcorp
Classification: Uncertain significance. Last evaluated: 2022-02-22. Review status: criteria provided, single submitter. Criteria: Invitae Variant Classification Sherloc (09022015). Collection method: clinical testing. Allele origin: germline.
Comment: In summary, the available evidence is currently insufficient to determine the role of this variant in disease. Therefore, it has been classified as a Variant of Uncertain Significance. Algorithms developed to predict the effect of missense changes on protein structure and function are either unavailable or do not agree on the potential impact of this missense change (SIFT: "Not Available"; PolyPhen-2: "Benign"; Align-GVGD: "Not Available"). This variant has not been reported in the literature in individuals affected with TYROBP-related conditions. This variant is present in population databases (no rsID available, gnomAD 0.003%). This sequence change replaces threonine, which is neutral and polar, with serine, which is neutral and polar, at codon 87 of the TYROBP protein (p.Thr87Ser).

NM_003332.4(TYROBP):c.260C>G (p.Thr87Ser)

Gene: TYROBP (transmembrane immune signaling adaptor TYROBP; minus strand). Cytogenetic location: 19q13.12.
Variant type: single nucleotide variant.
Coding change: c.260C>G on transcript NM_003332.4 (MANE Select); coding-DNA position 260, C replaced by G.
Protein change: p.Thr87Ser; replaces threonine 87 with serine.
Molecular consequence: missense variant. On other transcripts: non-coding transcript variant (1).
Genome position (GRCh38, 1-based): chr19:35,907,234, G>C on the plus strand (C>G on the coding strand, the complement: TYROBP is on the minus strand). VCF-style: chr19-35907234-G-C. GRCh37 (hg19) VCF-style: chr19-36398136-G-C.
Other names: c.227C>G, p.Thr76Ser (NM_001173514.2); c.224C>G, p.Thr75Ser (NM_001173515.2); c.257C>G, p.Thr86Ser (NM_198125.3); short protein forms T76S, T87S, T75S, T86S.
Identifiers: ClinVar variation 2069233 (VCV002069233.4), dbSNP rs143768611, ClinGen allele CA405386874.